The following is an entry in ClinVar:

ClinVar aggregate classification (germline): Uncertain significance (1 of 4 stars; one submission).

Allele frequency attached by ClinVar (database versions not stated): gnomAD exomes 0.00001.
gnomAD v4.1: 7 of 1,614,224 alleles (0.00043%); highest among the groups gnomAD compares: Non-Finnish European, 0.00059%; no homozygotes.

Submission:

GeneDx
Classification: Uncertain significance. Last evaluated: 2021-12-02. Review status: criteria provided, single submitter. Criteria: GeneDx Variant Classification Process June 2021. Collection method: clinical testing. Allele origin: germline. Affected: yes.
Comment: Not observed at significant frequency in large population cohorts (gnomAD); In silico analysis supports that this missense variant has a deleterious effect on protein structure/function; Has not been previously published as pathogenic or benign to our knowledge

NM_001846.4(COL4A2):c.325G>T (p.Gly109Cys)

Gene: COL4A2 (collagen type IV alpha 2 chain; plus strand). Cytogenetic location: 13q34.
Variant type: single nucleotide variant.
Coding change: c.325G>T on transcript NM_001846.4 (MANE Select); coding-DNA position 325, G replaced by T.
Protein change: p.Gly109Cys; replaces glycine 109 with cysteine.
Molecular consequence: missense variant.
Genome position (GRCh38, 1-based): chr13:110,424,962, G>T. VCF-style: chr13-110424962-G-T. GRCh37 (hg19) VCF-style: chr13-111077309-G-T.
Other names: short protein forms G109C.
Identifiers: ClinVar variation 1691160 (VCV001691160.2), dbSNP rs2139454203, ClinGen allele CA388728172.
Genomic context (GRCh38, chr13:110,424,962, plus strand): 5'-GAGGGTGGCGGGTATCTCAGCCTTGGTTAATTGCATTTGCTTTCTTCATAGGGAGCAAGA[G>T]GCGTTTCTGGATTCCCTGGTGCCGATGGAATTCCTGTAAGTTTTATGGAAGACTGGAATT-3'
Protein context (NP_001837.2, residues 99-119): TGPKGDVGAR[Gly109Cys]VSGFPGADGI